The following is an entry in ClinVar:

ClinVar aggregate classification (germline): Pathogenic (1 of 4 stars; one submission).

Allele frequency attached by ClinVar (database versions not stated): gnomAD exomes 0.00001; TOPMed below 0.00001.
gnomAD v4.1: 6 of 1,613,980 alleles (0.00037%); highest among the groups gnomAD compares: Non-Finnish European, 0.00051%; no homozygotes.

Submission:

GeneDx
Classification: Pathogenic. Last evaluated: 2025-06-15. Review status: criteria provided, single submitter. Criteria: GeneDx Variant Classification Process June 2021. Collection method: clinical testing. Allele origin: germline. Affected: yes.
Comment: Nonsense variant predicted to result in protein truncation or nonsense mediated decay in a gene for which loss of function is a known mechanism of disease; Not observed at significant frequency in large population cohorts (gnomAD); Has not been previously published as pathogenic or benign to our knowledge

NM_001376571.1(MADD):c.710C>G (p.Ser237Ter)

Gene: MADD (MAP kinase activating death domain; plus strand). Cytogenetic location: 11p11.2.
Variant type: single nucleotide variant.
Coding change: c.710C>G on transcript NM_001376571.1 (MANE Select); coding-DNA position 710, C replaced by G.
Protein change: p.Ser237Ter; replaces serine 237 with a stop codon.
Molecular consequence: nonsense. On other transcripts: non-coding transcript variant (8).
Genome position (GRCh38, 1-based): chr11:47,275,949, C>G. VCF-style: chr11-47275949-C-G. GRCh37 (hg19) VCF-style: chr11-47297500-C-G.
Other names: c.710C>G, p.Ser237Ter (NM_001135943.2, NM_001135944.2, NM_001376572.1 and 80 more transcripts); c.506C>G, p.Ser169Ter (NM_001376620.1, NM_001376626.1, NM_001376627.1 and 9 more transcripts); c.44C>G, p.Ser15Ter (NM_001376663.1); short protein forms S15*, S169*, S237*.
Identifiers: ClinVar variation 1326727 (VCV001326727.3), dbSNP rs1411949325, ClinGen allele CA380322700.